The following is an entry in ClinVar:

ClinVar aggregate classification (germline): Uncertain significance (1 of 4 stars; one submission).

Allele frequency attached by ClinVar (database versions not stated): gnomAD exomes 0.00001; ExAC 0.00002; gnomAD 0.00003 and 0.00004; TOPMed 0.00004.
gnomAD v4.1: 22 of 1,598,858 alleles (0.0014%); highest among the groups gnomAD compares: Admixed American, 0.0017%; no homozygotes.

Submission:

Labcorp Genetics (formerly Invitae), Labcorp
Classification: Uncertain significance. Last evaluated: 2022-07-30. Review status: criteria provided, single submitter. Criteria: Invitae Variant Classification Sherloc (09022015). Collection method: clinical testing. Allele origin: germline.
Comment: This sequence change replaces aspartic acid, which is acidic and polar, with histidine, which is basic and polar, at codon 112 of the CFD protein (p.Asp112His). The frequency data for this variant in the population databases is considered unreliable, as metrics indicate poor data quality at this position in the gnomAD database. This variant has not been reported in the literature in individuals affected with CFD-related conditions. ClinVar contains an entry for this variant (Variation ID: 1482212). Algorithms developed to predict the effect of missense changes on protein structure and function output the following: SIFT: "Not Available"; PolyPhen-2: "Benign"; Align-GVGD: "Not Available". The histidine amino acid residue is found in multiple mammalian species, which suggests that this missense change does not adversely affect protein function. In summary, the available evidence is currently insufficient to determine the role of this variant in disease. Therefore, it has been classified as a Variant of Uncertain Significance.

NM_001928.4(CFD):c.334G>C (p.Asp112His)

Gene: CFD (complement factor D; plus strand). Cytogenetic location: 19p13.3.
Variant type: single nucleotide variant.
Coding change: c.334G>C on transcript NM_001928.4 (MANE Select); coding-DNA position 334, G replaced by C.
Protein change: p.Asp112His; replaces aspartic acid 112 with histidine.
Molecular consequence: missense variant.
Genome position (GRCh38, 1-based): chr19:860,982, G>C. VCF-style: chr19-860982-G-C. GRCh37 (hg19) VCF-style: chr19-860982-G-C.
Other names: c.355G>C, p.Asp119His (NM_001317335.2); short protein forms D119H, D112H.
Identifiers: ClinVar variation 1482212 (VCV001482212.6), dbSNP rs751710883, ClinGen allele CA9026306.